The following is an entry in ClinVar:

NM_001040142.2(SCN2A):c.2138A>G (p.Asn713Ser)

Gene: SCN2A (sodium voltage-gated channel alpha subunit 2; plus strand). Cytogenetic location: 2q24.3.
Variant type: single nucleotide variant.
Coding change: c.2138A>G on transcript NM_001040142.2 (MANE Select); coding-DNA position 2138, A replaced by G.
Protein change: p.Asn713Ser; replaces asparagine 713 with serine.
Molecular consequence: missense variant.
Genome position (GRCh38, 1-based): chr2:165,326,973, A>G. VCF-style: chr2-165326973-A-G. GRCh37 (hg19) VCF-style: chr2-166183483-A-G.
Other names: c.2138A>G, p.Asn713Ser (NM_001040143.2, NM_001371246.1, NM_001371247.1 and 1 more transcripts); short protein forms N713S.
Identifiers: ClinVar variation 2947820 (VCV002947820.3), dbSNP rs2467946719, ClinGen allele CA349029699.

ClinVar aggregate classification (germline): Uncertain significance (1 of 4 stars; one submission).

Conditions:
Seizures, benign familial infantile, 3 (BFIS3). Also called: CONVULSIONS, BENIGN FAMILIAL INFANTILE, 3; Familial neonatal seizures. Identifiers: Orphanet 140927, Orphanet 306, MedGen C1843140, MONDO:0011904, OMIM 607745.
Developmental and epileptic encephalopathy, 11 (DEE11). Also called: Early infantile epileptic encephalopathy 11. Identifiers: Orphanet 1934, MedGen C3150987, MONDO:0013388, OMIM 613721.

Submission:

Labcorp Genetics (formerly Invitae), Labcorp
Classification: Uncertain significance for Seizures, benign familial infantile, 3; Developmental and epileptic encephalopathy, 11. Last evaluated: 2023-05-16. Review status: criteria provided, single submitter. Criteria: Invitae Variant Classification Sherloc (09022015). Collection method: clinical testing. Allele origin: germline.
Comment: In summary, the available evidence is currently insufficient to determine the role of this variant in disease. Therefore, it has been classified as a Variant of Uncertain Significance. Advanced modeling of protein sequence and biophysical properties (such as structural, functional, and spatial information, amino acid conservation, physicochemical variation, residue mobility, and thermodynamic stability) has been performed at Invitae for this missense variant, however the output from this modeling did not meet the statistical confidence thresholds required to predict the impact of this variant on SCN2A protein function. This variant has not been reported in the literature in individuals affected with SCN2A-related conditions. This variant is not present in population databases (gnomAD no frequency). This sequence change replaces asparagine, which is neutral and polar, with serine, which is neutral and polar, at codon 713 of the SCN2A protein (p.Asn713Ser).